The following is an entry in ClinVar:

NM_000368.5(TSC1):c.1459dup (p.Ser487fs)

Gene: TSC1 (TSC complex subunit 1; minus strand). Cytogenetic location: 9q34.13.
Variant type: Duplication.
Coding change: c.1459dup on transcript NM_000368.5 (MANE Select); coding-DNA position 1459, one base duplicated (T; older notation c.1459dupT).
Protein change: p.Ser487fs; shifts the reading frame from serine 487.
Molecular consequence: frameshift variant. On other transcripts: non-coding transcript variant (5).
Genome position (GRCh38, 1-based): chr9:132,906,119, A duplicated on the plus strand (T on the coding strand, the reverse complement: TSC1 is on the minus strand); the first of 3 consecutive A bases (chr9:132,906,119-132,906,121); duplicating any one gives the same sequence. VCF-style (leftmost placement, unchanged base first): chr9-132906118-G-GA. GRCh37 (hg19) VCF-style: chr9-135781505-G-GA.
Other names: c.1456dup, p.Ser486fs (NM_001406599.1, NM_001406600.1, NM_001406603.1 and 6 more transcripts); c.1459dup, p.Ser487fs (NM_001406601.1, NM_001406602.1, NM_001406605.1 and 7 more transcripts); c.1306dup, p.Ser436fs (NM_001406610.1, NM_001162427.2); c.1303dup, p.Ser435fs (NM_001406611.1, NM_001406612.1, NM_001406613.1); c.1096dup, p.Ser366fs (NM_001406614.1, NM_001406615.1, NM_001406616.1 and 5 more transcripts); c.1093dup, p.Ser365fs (NM_001406620.1, NM_001406621.1, NM_001406622.1 and 2 more transcripts); c.508dup, p.Ser170fs (NM_001406626.1); c.505dup, p.Ser169fs (NM_001406627.1, NM_001406628.1); and 1 more; short protein forms S136fs, S169fs, S170fs, S365fs, S366fs, S435fs, S436fs, S486fs.
Identifiers: ClinVar variation 3900728 (VCV003900728.1).

ClinVar aggregate classification (germline): Likely pathogenic (1 of 4 stars; one submission).

Conditions:
Tuberous sclerosis 1 (TSC1). Identifiers: Orphanet 805, MedGen C1854465, MONDO:0008612, OMIM 191100.

Submission:

MVZ Medizinische Genetik Mainz
Classification: Likely pathogenic for Tuberous sclerosis 1. Last evaluated: 2025-04-25. Review status: criteria provided, single submitter. Criteria: UK Practice Guidelines For Variant Classification V4 01 2020. Collection method: clinical testing. Allele origin: germline. Inheritance: Autosomal dominant inheritance. Affected: yes. Observed: 1 variant allele.
Comment: ACMG Criteria: PVS1,PM2_SUP